The following is an entry in ClinVar:

ClinVar aggregate classification (germline): Uncertain significance. Review status: criteria provided, multiple submitters, no conflicts (2 of 4 stars). 2 submissions from 2 submitters: Uncertain significance (2). Last evaluated 2025-02-12.

Conditions:
Granulomatous disease, chronic, autosomal recessive, cytochrome b-positive, type 3. Also called: GRANULOMATOUS DISEASE, CHRONIC, AUTOSOMAL RECESSIVE, 3; CGD, AUTOSOMAL RECESSIVE CYTOCHROME b-POSITIVE, TYPE III; GRANULOMATOUS DISEASE, CHRONIC, DUE TO NCF4 DEFICIENCY; Granulomatous disease, chronic, autosomal recessive, cytochrome b-positive, type III. Identifiers: Orphanet 379, MedGen C3151409, MONDO:0013507, OMIM 613960.

Allele frequency attached by ClinVar (database versions not stated): TOPMed 0.00001.
gnomAD v4.1: 13 of 1,613,824 alleles (0.00081%); highest among the groups gnomAD compares: Non-Finnish European, 0.001%; no homozygotes.

Submissions (2):

Ambry Genetics
Classification: Uncertain significance. Last evaluated: 2025-02-12. Review status: criteria provided, single submitter. Criteria: Ambry Variant Classification Scheme 2023. Collection method: clinical testing. Allele origin: germline.

Labcorp Genetics (formerly Invitae), Labcorp
Classification: Uncertain significance for Granulomatous disease, chronic, autosomal recessive, cytochrome b-positive, type 3. Last evaluated: 2022-01-12. Review status: criteria provided, single submitter. Criteria: Invitae Variant Classification Sherloc (09022015). Collection method: clinical testing. Allele origin: germline.
Comment: This sequence change replaces leucine, which is neutral and non-polar, with arginine, which is basic and polar, at codon 282 of the NCF4 protein (p.Leu282Arg). This variant is present in population databases (no rsID available, gnomAD 0.007%). This variant has not been reported in the literature in individuals affected with NCF4-related conditions. ClinVar contains an entry for this variant (Variation ID: 948699). Algorithms developed to predict the effect of missense changes on protein structure and function are either unavailable or do not agree on the potential impact of this missense change (SIFT: "Deleterious"; PolyPhen-2: "Possibly Damaging"; Align-GVGD: "Class C0"). In summary, the available evidence is currently insufficient to determine the role of this variant in disease. Therefore, it has been classified as a Variant of Uncertain Significance.

NM_000631.5(NCF4):c.758+87T>G

Gene: NCF4 (neutrophil cytosolic factor 4; plus strand). Cytogenetic location: 22q12.3.
Variant type: single nucleotide variant.
Coding change: c.758+87T>G on transcript NM_000631.5 (MANE Select); 87 bases into the intron after coding-DNA position 758, T replaced by G.
Molecular consequence: intron variant. On other transcripts: missense variant (1).
Genome position (GRCh38, 1-based): chr22:36,875,870, T>G. VCF-style: chr22-36875870-T-G. GRCh37 (hg19) VCF-style: chr22-37271912-T-G.
Other names: c.845T>G, p.Leu282Arg (NM_013416.4); short protein forms L282R.
Identifiers: ClinVar variation 948699 (VCV000948699.8), dbSNP rs750700271, ClinGen allele CA411389510.